The following is an entry in ClinVar:

NM_000019.4(ACAT1):c.1173dup (p.Ala392fs)

Gene: ACAT1 (acetyl-CoA acetyltransferase 1; plus strand). Cytogenetic location: 11q22.3.
Variant type: Duplication.
Coding change: c.1173dup on transcript NM_000019.4 (MANE Select); coding-DNA position 1173, one base duplicated (A; older notation c.1173dupA).
Protein change: p.Ala392fs; shifts the reading frame from alanine 392.
Molecular consequence: frameshift variant. On other transcripts: non-coding transcript variant (2).
Genome position (GRCh38, 1-based): chr11:108,147,279, A duplicated. VCF-style (leftmost placement, unchanged base first): chr11-108147278-G-GA. GRCh37 (hg19) VCF-style: chr11-108018005-G-GA.
Other names: c.1194dup, p.Ala399fs (NM_001386677.1); c.858dup, p.Ala287fs (NM_001386678.1); c.876dup, p.Ala293fs (NM_001386679.1); c.903dup, p.Ala302fs (NM_001386681.1, NM_001386682.1, NM_001386685.1 and 6 more transcripts); short protein forms A287fs, A293fs, A302fs, A392fs, A399fs.
Identifiers: ClinVar variation 1069757 (VCV001069757.9), dbSNP rs1565298653, ClinGen allele CA601679541.

ClinVar aggregate classification (germline): Pathogenic (1 of 4 stars; one submission).

Conditions:
Deficiency of acetyl-CoA acetyltransferase. Also called: MITOCHONDRIAL ACETOACETYL-CoA THIOLASE DEFICIENCY; Beta-ketothiolase deficiency; 3-KETOTHIOLASE DEFICIENCY; 3-OXOTHIOLASE DEFICIENCY. Identifiers: Orphanet 134, MedGen C1536500, MONDO:0008760, OMIM 203750. Disease mechanism: loss of function.

Allele frequency attached by ClinVar (database versions not stated): gnomAD exomes below 0.00001.

Submission:

Labcorp Genetics (formerly Invitae), Labcorp
Classification: Pathogenic for Deficiency of acetyl-CoA acetyltransferase. Last evaluated: 2024-07-31. Review status: criteria provided, single submitter. Criteria: Invitae Variant Classification Sherloc (09022015). Collection method: clinical testing. Allele origin: germline.
Comment: This sequence change creates a premature translational stop signal (p.Ala392Serfs*68) in the ACAT1 gene. While this is not anticipated to result in nonsense mediated decay, it is expected to disrupt the last 36 amino acid(s) of the ACAT1 protein. This variant is present in population databases (no rsID available, gnomAD 0.003%). This variant has not been reported in the literature in individuals affected with ACAT1-related conditions. ClinVar contains an entry for this variant (Variation ID: 1069757). This variant disrupts a region of the ACAT1 protein in which other variant(s) (p.Gln404Hisfs*66) have been determined to be pathogenic (Invitae). This suggests that this is a clinically significant region of the protein, and that variants that disrupt it are likely to be disease-causing. For these reasons, this variant has been classified as Pathogenic.